The following is an entry in ClinVar:

ClinVar aggregate classification (germline): Uncertain significance (1 of 4 stars; one submission).

Submission:

Labcorp Genetics (formerly Invitae), Labcorp
Classification: Uncertain significance. Last evaluated: 2025-06-12. Review status: criteria provided, single submitter. Criteria: Invitae Variant Classification Sherloc (09022015). Collection method: clinical testing. Allele origin: germline.
Comment: This sequence change replaces alanine, which is neutral and non-polar, with threonine, which is neutral and polar, at codon 333 of the NUP93 protein (p.Ala333Thr). This variant is not present in population databases (gnomAD no frequency). This variant has not been reported in the literature in individuals affected with NUP93-related conditions. ClinVar contains an entry for this variant (Variation ID: 2025847). Invitae Evidence Modeling of protein sequence and biophysical properties (such as structural, functional, and spatial information, amino acid conservation, physicochemical variation, residue mobility, and thermodynamic stability) indicates that this missense variant is not expected to disrupt NUP93 protein function with a negative predictive value of 80%. In summary, the available evidence is currently insufficient to determine the role of this variant in disease. Therefore, it has been classified as a Variant of Uncertain Significance.

NM_014669.5(NUP93):c.997G>A (p.Ala333Thr)

Gene: NUP93 (nucleoporin 93; plus strand). Cytogenetic location: 16q13.
Variant type: single nucleotide variant.
Coding change: c.997G>A on transcript NM_014669.5 (MANE Select); coding-DNA position 997, G replaced by A.
Protein change: p.Ala333Thr; replaces alanine 333 with threonine.
Molecular consequence: missense variant.
Genome position (GRCh38, 1-based): chr16:56,830,597, G>A. VCF-style: chr16-56830597-G-A. GRCh37 (hg19) VCF-style: chr16-56864509-G-A.
Other names: c.628G>A, p.Ala210Thr (NM_001242795.2, NM_001242796.2); short protein forms A210T, A333T.
Identifiers: ClinVar variation 2025847 (VCV002025847.4), dbSNP rs2544054447, ClinGen allele CA395986285.